The following is an entry in ClinVar:

ClinVar aggregate classification (germline): Uncertain significance (1 of 4 stars; one submission).

Allele frequency attached by ClinVar (database versions not stated): TOPMed 0.00001.
gnomAD v4.1: 6 of 1,614,038 alleles (0.00037%); highest among the groups gnomAD compares: Non-Finnish European, 0.00051%; no homozygotes.

Submission:

Labcorp Genetics (formerly Invitae), Labcorp
Classification: Uncertain significance. Last evaluated: 2025-12-15. Review status: criteria provided, single submitter. Criteria: Invitae Variant Classification Sherloc (09022015). Collection method: clinical testing. Allele origin: germline.
Comment: This sequence change replaces valine, which is neutral and non-polar, with phenylalanine, which is neutral and non-polar, at codon 1365 of the C3 protein (p.Val1365Phe). This variant is not present in population databases (gnomAD no frequency). This variant has not been reported in the literature in individuals affected with C3-related conditions. ClinVar contains an entry for this variant (Variation ID: 1946051). Invitae Evidence Modeling of protein sequence and biophysical properties (such as structural, functional, and spatial information, amino acid conservation, physicochemical variation, residue mobility, and thermodynamic stability) indicates that this missense variant is expected to disrupt C3 protein function with a positive predictive value of 80%. In summary, the available evidence is currently insufficient to determine the role of this variant in disease. Therefore, it has been classified as a Variant of Uncertain Significance.

NM_000064.4(C3):c.4093G>T (p.Val1365Phe)

Gene: C3 (complement C3; minus strand). Cytogenetic location: 19p13.3.
Variant type: single nucleotide variant.
Coding change: c.4093G>T on transcript NM_000064.4 (MANE Select); coding-DNA position 4093, G replaced by T.
Protein change: p.Val1365Phe; replaces valine 1365 with phenylalanine.
Molecular consequence: missense variant.
Genome position (GRCh38, 1-based): chr19:6,684,587, C>A on the plus strand (G>T on the coding strand, the complement: C3 is on the minus strand). VCF-style: chr19-6684587-C-A. GRCh37 (hg19) VCF-style: chr19-6684598-C-A.
Other names: short protein forms V1365F.
Identifiers: ClinVar variation 1946051 (VCV001946051.5), dbSNP rs74722736, ClinGen allele CA403617120.